The following is an entry in ClinVar:

ClinVar aggregate classification (germline): Uncertain significance. Review status: criteria provided, multiple submitters, no conflicts (2 of 4 stars). 2 submissions from 2 submitters: Uncertain significance (2). Last evaluated 2026-08-20.

Conditions:
Hereditary cancer-predisposing syndrome. Also called: Tumor predisposition; Hereditary neoplastic syndrome; Hereditary Cancer Syndrome; Neoplastic Syndromes, Hereditary. Identifiers: Orphanet 140162, MedGen C0027672, MeSH D009386, MONDO:0015356.

Submissions (2):

Ambry Genetics
Classification: Uncertain significance for Hereditary cancer-predisposing syndrome. Last evaluated: 2026-08-20. Review status: criteria provided, single submitter. Criteria: Ambry Variant Classification Scheme 2023. Collection method: clinical testing. Allele origin: germline.
Comment: The p.A529V variant (also known as c.1586C>T), located in coding exon 11 of the CTNNA1 gene, results from a C to T substitution at nucleotide position 1586. The alanine at codon 529 is replaced by valine, an amino acid with similar properties. This amino acid position is conserved. In addition, this alteration is predicted to be deleterious by in silico analysis. Based on the available evidence, the clinical significance of this variant remains unclear.

Labcorp Genetics (formerly Invitae), Labcorp
Classification: Uncertain significance. Last evaluated: 2024-11-21. Review status: criteria provided, single submitter. Criteria: Invitae Variant Classification Sherloc (09022015). Collection method: clinical testing. Allele origin: germline.
Comment: This sequence change replaces alanine, which is neutral and non-polar, with valine, which is neutral and non-polar, at codon 529 of the CTNNA1 protein (p.Ala529Val). This variant is not present in population databases (gnomAD no frequency). This variant has not been reported in the literature in individuals affected with CTNNA1-related conditions. Invitae Evidence Modeling of protein sequence and biophysical properties (such as structural, functional, and spatial information, amino acid conservation, physicochemical variation, residue mobility, and thermodynamic stability) indicates that this missense variant is expected to disrupt CTNNA1 protein function with a positive predictive value of 80%. In summary, the available evidence is currently insufficient to determine the role of this variant in disease. Therefore, it has been classified as a Variant of Uncertain Significance.

NM_001903.5(CTNNA1):c.1586C>T (p.Ala529Val)

Gene: CTNNA1 (catenin alpha 1; plus strand). Cytogenetic location: 5q31.2.
Variant type: single nucleotide variant.
Coding change: c.1586C>T on transcript NM_001903.5 (MANE Select); coding-DNA position 1586, C replaced by T.
Protein change: p.Ala529Val; replaces alanine 529 with valine.
Molecular consequence: missense variant.
Genome position (GRCh38, 1-based): chr5:138,924,549, C>T. VCF-style: chr5-138924549-C-T. GRCh37 (hg19) VCF-style: chr5-138260238-C-T.
Other names: c.137C>T, p.Ala46Val (NM_001324009.1, NM_001324010.1, NM_001324006.1 and 2 more transcripts); c.383C>T, p.Ala128Val (NM_001324011.1); c.233C>T, p.Ala78Val (NM_001324012.1, NM_001324013.1); c.1586C>T, p.Ala529Val (NM_001290307.3, NM_001323982.2, NM_001323983.1 and 2 more transcripts); c.1277C>T, p.Ala426Val (NM_001290309.3); c.1217C>T, p.Ala406Val (NM_001290310.3); c.476C>T, p.Ala159Val (NM_001290312.1, NM_001323987.1, NM_001323988.1 and 17 more transcripts); c.1493C>T, p.Ala498Val (NM_001323986.2); and 1 more; short protein forms A159V, A46V, A498V, A128V, A406V, A426V, A529V, A78V.
Identifiers: ClinVar variation 3695295 (VCV003695295.3).